The following is an entry in ClinVar:

NM_001430.5(EPAS1):c.1694G>C (p.Ser565Thr)

Gene: EPAS1 (endothelial PAS domain protein 1; plus strand). Cytogenetic location: 2p21.
Variant type: single nucleotide variant.
Coding change: c.1694G>C on transcript NM_001430.5 (MANE Select); coding-DNA position 1694, G replaced by C.
Protein change: p.Ser565Thr; replaces serine 565 with threonine.
Molecular consequence: missense variant.
Genome position (GRCh38, 1-based): chr2:46,380,366, G>C. VCF-style: chr2-46380366-G-C. GRCh37 (hg19) VCF-style: chr2-46607505-G-C.
Other names: short protein forms S565T.
Identifiers: ClinVar variation 3221567 (VCV003221567.1), dbSNP rs2546476971, ClinGen allele CA346704683.
Genomic context (GRCh38, chr2:46,380,366, plus strand): 5'-TCTGCCCCGAGGAGCGGCTCTTGGCGGAGAACCCACAGTCCACCCCCCAGCACTGCTTCA[G>C]TGCCATGACAAACATCTTCCAGCCACTGGCCCCTGTAGCCCCGCACAGTCCCTTCCTCCT-3'
Protein context (NP_001421.2, residues 555-575): NPQSTPQHCF[Ser565Thr]AMTNIFQPLA

ClinVar aggregate classification (germline): Uncertain significance (1 of 4 stars; one submission).

Conditions:
Inborn genetic diseases. Identifiers: MedGen C0950123, MeSH D030342.

gnomAD v4.1: 1 of 1,614,156 alleles (0.000062%); highest among the groups gnomAD compares: East Asian, 0.0022%; no homozygotes.

Submission:

Ambry Genetics
Classification: Uncertain significance for Inborn genetic diseases. Last evaluated: 2024-03-05. Review status: criteria provided, single submitter. Criteria: Ambry Variant Classification Scheme 2023. Collection method: clinical testing. Allele origin: germline.
Comment: The p.S565T variant (also known as c.1694G>C), located in coding exon 12 of the EPAS1 gene, results from a G to C substitution at nucleotide position 1694. The serine at codon 565 is replaced by threonine, an amino acid with similar properties. This amino acid position is conserved. In addition, this alteration is predicted to be tolerated by in silico analysis. Based on the available evidence, the clinical significance of this alteration remains unclear.